The following is an entry in ClinVar:

NM_001330078.2(NRXN1):c.833-5T>G

Gene: NRXN1 (neurexin 1; minus strand). Cytogenetic location: 2p16.3.
Variant type: single nucleotide variant.
Coding change: c.833-5T>G on transcript NM_001330078.2 (MANE Select); 5 bases into the intron before coding-DNA position 833, T replaced by G.
Molecular consequence: intron variant.
Genome position (GRCh38, 1-based): chr2:50,623,620, A>C on the plus strand (T>G on the coding strand, the complement: NRXN1 is on the minus strand). VCF-style: chr2-50623620-A-C. GRCh37 (hg19) VCF-style: chr2-50850758-A-C.
Other names: c.773-5T>G (NM_001330096.2, NM_001330087.2, NM_001330083.2 and 1 more transcripts); c.803-5T>G (NM_001330088.2); c.830-5T>G (NM_001330093.2); c.821-5T>G (NM_001330094.2); c.833-5T>G (NM_001330095.2, NM_001330082.2, NM_001330077.2 and 3 more transcripts); c.932-5T>G (NM_001135659.3).
Identifiers: ClinVar variation 378286 (VCV000378286.18), dbSNP rs199712573, ClinGen allele CA1655154.
Genomic context (GRCh38, chr2:50,623,620, plus strand): 5'-CAAGTCGTAGCAGAAGTATTCAGATCCTTTGAACGTGGCAATATATTCTTCTTTTCCTAG[A>C]GGAAAACAGATGATACATACATAAGTAAACAAATACACTATGCAAATCAGCAGGTCTTAA-3'

ClinVar aggregate classification (germline): Conflicting classifications of pathogenicity. Review status: criteria provided, conflicting classifications (1 of 4 stars). 3 submissions from 3 submitters: Uncertain significance (1); Likely benign (2). Last evaluated 2026-01-26.

Conditions:
Inborn genetic diseases. Identifiers: MedGen C0950123, MeSH D030342.
Pitt-Hopkins-like syndrome 2 (PTHSL2). Identifiers: Orphanet 221150, Orphanet 600663, MedGen C3280479, MONDO:0013690, OMIM 614325.

Allele frequency attached by ClinVar (database versions not stated): gnomAD exomes 0.00005; ExAC 0.00009; TOPMed 0.00022; ESP Exome Variant Server 0.00025; gnomAD 0.00038.
gnomAD v4.1: 62 of 1,601,742 alleles (0.0039%); highest among the groups gnomAD compares: African/African-American, 0.078%; no homozygotes.

Submissions (3):

Labcorp Genetics (formerly Invitae), Labcorp
Classification: Likely benign for Pitt-Hopkins-like syndrome 2. Last evaluated: 2026-01-26. Review status: criteria provided, single submitter. Criteria: Invitae Variant Classification Sherloc (09022015). Collection method: clinical testing. Allele origin: germline.

GeneDx
Classification: Likely benign. Last evaluated: 2020-12-10. Review status: criteria provided, single submitter. Criteria: GeneDx Variant Classification Process June 2021. Collection method: clinical testing. Allele origin: germline. Affected: yes.

Ambry Genetics
Classification: Uncertain significance for Inborn genetic diseases. Last evaluated: 2020-04-09. Review status: criteria provided, single submitter. Criteria: Ambry Variant Classification Scheme 2023. Collection method: clinical testing. Allele origin: germline.
Comment: The c.932-5T>G intronic variant results from a T to G substitution 5 nucleotides upstream from coding exon 6 in the NRXN1 gene. This nucleotide position is not well conserved in available vertebrate species. Using the BDGP and ESEfinder splice site prediction tools, this alteration is not predicted to have any significant effect on this splice acceptor site; however, direct evidence is unavailable. Since supporting evidence is limited at this time, the clinical significance of this alteration remains unclear.